The following is an entry in ClinVar:

NM_001042492.3(NF1):c.4541dup (p.Asn1514fs)

Gene: NF1 (neurofibromin 1; plus strand). Cytogenetic location: 17q11.2.
Variant type: Duplication.
Coding change: c.4541dup on transcript NM_001042492.3 (MANE Select); coding-DNA position 4541, one base duplicated (A; older notation c.4541dupA).
Protein change: p.Asn1514fs; shifts the reading frame from asparagine 1514.
Molecular consequence: frameshift variant.
Genome position (GRCh38, 1-based): chr17:31,260,479, A duplicated; the last of 2 consecutive A bases (chr17:31,260,478-31,260,479); duplicating either gives the same sequence. VCF-style (leftmost placement, unchanged base first): chr17-31260477-C-CA. GRCh37 (hg19) VCF-style: chr17-29587495-C-CA.
Other names: c.4478dup, p.Asn1493fs (NM_000267.4); short protein forms N1514fs, N1493fs.
Identifiers: ClinVar variation 4712899 (VCV004712899.1).

ClinVar aggregate classification (germline): Pathogenic (1 of 4 stars; one submission).

Conditions:
Neurofibromatosis, type 1 (NF1). Also called: VON RECKLINGHAUSEN DISEASE; Peripheral type neurofibromatosis; NEUROFIBROMATOSIS, TYPE I, SOMATIC; Neurofibromatosis, type I. Identifiers: Orphanet 636, MedGen C0027831, MONDO:0018975, OMIM 162200. Disease mechanism: loss of function.

Submission:

Labcorp Genetics (formerly Invitae), Labcorp
Classification: Pathogenic for Neurofibromatosis, type 1. Last evaluated: 2025-02-17. Review status: criteria provided, single submitter. Criteria: Invitae Variant Classification Sherloc (09022015). Collection method: clinical testing. Allele origin: germline.
Comment: This sequence change creates a premature translational stop signal (p.Asn1493Lysfs*16) in the NF1 gene. It is expected to result in an absent or disrupted protein product. Loss-of-function variants in NF1 are known to be pathogenic (PMID: 10712197, 23913538). This variant is not present in population databases (gnomAD no frequency). This variant has not been reported in the literature in individuals affected with NF1-related conditions. For these reasons, this variant has been classified as Pathogenic.

Literature cited by the submitters: PubMed 10712197; PubMed 23913538.